The following is an entry in ClinVar:

NM_001365536.1(SCN9A):c.1844A>G (p.Asn615Ser)

Genes: SCN1A-AS1 (SCN1A and SCN9A antisense RNA 1; plus strand), SCN9A (sodium voltage-gated channel alpha subunit 9; minus strand). Cytogenetic location: 2q24.3.
Variant type: single nucleotide variant.
Coding change: c.1844A>G on transcript NM_001365536.1 (MANE Select); coding-DNA position 1844, A replaced by G.
Protein change: p.Asn615Ser; replaces asparagine 615 with serine.
Molecular consequence: missense variant.
Genome position (GRCh38, 1-based): chr2:166,284,583, T>C on the plus strand (A>G on the coding strand, the complement: SCN9A is on the minus strand). VCF-style: chr2-166284583-T-C. GRCh37 (hg19) VCF-style: chr2-167141093-T-C.
Other names: c.1844A>G, p.Asn615Ser (NM_002977.4); short protein forms N615S.
Identifiers: ClinVar variation 634994 (VCV000634994.13), dbSNP rs780995899, ClinGen allele CA1944420.

ClinVar aggregate classification (germline): Uncertain significance. Review status: criteria provided, multiple submitters, no conflicts (2 of 4 stars). 2 submissions from 2 submitters: Uncertain significance (2). Last evaluated 2022-05-05.

Conditions:
Neuropathy, hereditary sensory and autonomic, type 2A (HSAN2A). Also called: ACROOSTEOLYSIS, GIACCAI TYPE; ACROOSTEOLYSIS, NEUROGENIC; NEUROPATHY, CONGENITAL SENSORY; NEUROPATHY, HEREDITARY SENSORY RADICULAR, AUTOSOMAL RECESSIVE; NEUROPATHY, HEREDITARY SENSORY, TYPE IIA; NEUROPATHY, PROGRESSIVE SENSORY, OF CHILDREN. Identifiers: Orphanet 970, MedGen C2752089, MONDO:0024309, OMIM 201300.
Generalized epilepsy with febrile seizures plus, type 7 (GEFSP7). Also called: GEFS+, TYPE 7. Identifiers: Orphanet 36387, MedGen C2751778, MONDO:0013470, OMIM 613863.

Allele frequency attached by ClinVar (database versions not stated): gnomAD below 0.00001 and 0.00001; gnomAD exomes 0.00001 and 0.00003; ExAC 0.00003.
gnomAD v4.1: 18 of 1,613,988 alleles (0.0011%); highest among the groups gnomAD compares: South Asian, 0.016%; no homozygotes.

Submissions (2):

Labcorp Genetics (formerly Invitae), Labcorp
Classification: Uncertain significance for Neuropathy, hereditary sensory and autonomic, type 2A; Generalized epilepsy with febrile seizures plus, type 7. Last evaluated: 2022-05-05. Review status: criteria provided, single submitter. Criteria: Invitae Variant Classification Sherloc (09022015). Collection method: clinical testing. Allele origin: germline.
Comment: This sequence change replaces asparagine, which is neutral and polar, with serine, which is neutral and polar, at codon 615 of the SCN9A protein (p.Asn615Ser). This variant is present in population databases (rs780995899, gnomAD 0.02%). This variant has not been reported in the literature in individuals affected with SCN9A-related conditions. ClinVar contains an entry for this variant (Variation ID: 634994). Algorithms developed to predict the effect of missense changes on protein structure and function (SIFT, PolyPhen-2, Align-GVGD) all suggest that this variant is likely to be tolerated. Algorithms developed to predict the effect of sequence changes on RNA splicing suggest that this variant may create or strengthen a splice site. In summary, the available evidence is currently insufficient to determine the role of this variant in disease. Therefore, it has been classified as a Variant of Uncertain Significance.

Foundation for Research in Genetics and Endocrinology, FRIGE's Institute of Human Genetics
Classification: Uncertain significance for Generalized epilepsy with febrile seizures plus, type 7. Last evaluated: 2019-02-01. Review status: criteria provided, single submitter. Criteria: ACMG Guidelines, 2015. Collection method: clinical testing. Allele origin: germline. Inheritance: Autosomal dominant inheritance. Affected: yes. Observed: 1 heterozygote.
Comment: This variant has previously been reported in an Indian family with an autosomal dominant inheritance. The variant is not reported in the 1000 genomes, but it has a minor allele frequency of 0.003% in the ExAC database. In-silico predictions of the variant are possibly damaging by PolyPhen-2 (HumDiv), damaging by MutationTaster2. In summary, the Asn615Ser variant meets our criteria to be classified as variant of uncertain significance.